The following is an entry in ClinVar:

ClinVar aggregate classification (germline): Uncertain significance (1 of 4 stars; one submission).

gnomAD v4.1: 9 of 1,613,966 alleles (0.00056%); highest among the groups gnomAD compares: East Asian, 0.0022%; no homozygotes.

Submission:

Labcorp Genetics (formerly Invitae), Labcorp
Classification: Uncertain significance. Last evaluated: 2022-08-16. Review status: criteria provided, single submitter. Criteria: Invitae Variant Classification Sherloc (09022015). Collection method: clinical testing. Allele origin: germline.
Comment: This sequence change replaces aspartic acid, which is acidic and polar, with histidine, which is basic and polar, at codon 715 of the DHX32 protein (p.Asp715His). In summary, the available evidence is currently insufficient to determine the role of this variant in disease. Therefore, it has been classified as a Variant of Uncertain Significance. Algorithms developed to predict the effect of missense changes on protein structure and function (SIFT, PolyPhen-2, Align-GVGD) all suggest that this variant is likely to be tolerated. This variant has not been reported in the literature in individuals affected with DHX32-related conditions. This variant is not present in population databases (gnomAD no frequency).

NM_018180.3(DHX32):c.2143G>C (p.Asp715His)

Genes: DHX32 (DEAH-box helicase 32 (putative); minus strand), BCCIP (BRCA2 and CDKN1A interacting protein; plus strand). Cytogenetic location: 10q26.2.
Variant type: single nucleotide variant.
Coding change: c.2143G>C on transcript NM_018180.3 (MANE Select); coding-DNA position 2143, G replaced by C.
Protein change: p.Asp715His; replaces aspartic acid 715 with histidine.
Molecular consequence: missense variant. On other transcripts: intron variant (2).
Genome position (GRCh38, 1-based): chr10:125,836,776, C>G on the plus strand (G>C on the coding strand, the complement: DHX32 is on the minus strand). VCF-style: chr10-125836776-C-G. GRCh37 (hg19) VCF-style: chr10-127525345-C-G.
Other names: c.774+2830C>G (NM_016567.4, NM_078469.3); short protein forms D715H.
Identifiers: ClinVar variation 1967468 (VCV001967468.5), dbSNP rs531809485, ClinGen allele CA215326923.